The following is an entry in ClinVar:

NM_152419.3(HGSNAT):c.653G>A (p.Arg218Lys)

Gene: HGSNAT (heparan-alpha-glucosaminide N-acetyltransferase; plus strand). Cytogenetic location: 8p11.21.
Variant type: single nucleotide variant.
Coding change: c.653G>A on transcript NM_152419.3 (MANE Select); coding-DNA position 653, G replaced by A.
Protein change: p.Arg218Lys; replaces arginine 218 with lysine.
Molecular consequence: missense variant. On other transcripts: 5 prime UTR variant (1).
Genome position (GRCh38, 1-based): chr8:43,170,604, G>A. VCF-style: chr8-43170604-G-A. GRCh37 (hg19) VCF-style: chr8-43025747-G-A.
Other names: c.653G>A, p.Arg218Lys (NM_001363227.2, NM_001363228.2); c.-181G>A (NM_001363229.2); short protein forms R218K.
Identifiers: ClinVar variation 1942613 (VCV001942613.2), dbSNP rs775922205, ClinGen allele CA4736579.
Genomic context (GRCh38, chr8:43,170,604, plus strand): 5'-TAGCATTATGAGTTGTCATCTTTCTCCCTTTTTTTCTGAAGGAGCTGGGATCTCCCAGCA[G>A]GACAGACCCTCTCGATGGTGATGTTCAGCCAGCAACGTGGCGTCTATCTGCCCTGCCGCC-3'
Protein context (NP_689632.2, residues 208-228): LINSELGSPS[Arg218Lys]TDPLDGDVQP

ClinVar aggregate classification (germline): Uncertain significance (1 of 4 stars; one submission).

Conditions:
Retinitis pigmentosa 73 (RP73). Identifiers: Orphanet 791, MedGen C4225287, MONDO:0014687, OMIM 616544.
Mucopolysaccharidosis, MPS-III-C (MPS3C). Also called: SANFILIPPO SYNDROME C; MPS III C; Mucopolysaccharidosis type IIIC (Sanfilippo C); MUCOPOLYSACCHARIDOSIS, TYPE IIIC; mucopolysaccharidosis type 3C; MPS IIIC (Sanfilippo Syndrome Type C). Identifiers: Orphanet 581, Orphanet 79271, MedGen C0086649, MONDO:0009657, OMIM 252930.

Allele frequency attached by ClinVar (database versions not stated): ExAC 0.00004; gnomAD 0.00001; gnomAD exomes 0.00001.

Submission:

Labcorp Genetics (formerly Invitae), Labcorp
Classification: Uncertain significance for Retinitis pigmentosa 73; Mucopolysaccharidosis, MPS-III-C. Last evaluated: 2022-09-05. Review status: criteria provided, single submitter. Criteria: Invitae Variant Classification Sherloc (09022015). Collection method: clinical testing. Allele origin: germline.
Comment: This sequence change replaces arginine, which is basic and polar, with lysine, which is basic and polar, at codon 218 of the HGSNAT protein (p.Arg218Lys). This variant is present in population databases (rs775922205, gnomAD 0.02%). This variant has not been reported in the literature in individuals affected with HGSNAT-related conditions. Advanced modeling of protein sequence and biophysical properties (such as structural, functional, and spatial information, amino acid conservation, physicochemical variation, residue mobility, and thermodynamic stability) performed at Invitae indicates that this missense variant is not expected to disrupt HGSNAT protein function. In summary, the available evidence is currently insufficient to determine the role of this variant in disease. Therefore, it has been classified as a Variant of Uncertain Significance.